The following is an entry in ClinVar:

NM_006946.4(SPTBN2):c.1057G>A (p.Val353Met)

Gene: SPTBN2 (spectrin beta, non-erythrocytic 2; minus strand). Cytogenetic location: 11q13.2.
Variant type: single nucleotide variant.
Coding change: c.1057G>A on transcript NM_006946.4 (MANE Select); coding-DNA position 1057, G replaced by A.
Protein change: p.Val353Met; replaces valine 353 with methionine.
Molecular consequence: missense variant.
Genome position (GRCh38, 1-based): chr11:66,710,598, C>T on the plus strand (G>A on the coding strand, the complement: SPTBN2 is on the minus strand). VCF-style: chr11-66710598-C-T. GRCh37 (hg19) VCF-style: chr11-66478069-C-T.
Other names: short protein forms V353M.
Identifiers: ClinVar variation 1358589 (VCV001358589.8), dbSNP rs1209084969, ClinGen allele CA381482205.
Genomic context (GRCh38, chr11:66,710,598, plus strand): 5'-TGGGAGCACAGCTCAGGGAAGGGTGGGGCCCCAGGGACACCTACTTGGGCGGCTTCTCCA[C>T]GGTGCGGTAGGAGTTGAAGGACTGCAGCTGGTTCTGGACCCCGCTAAGGGAGTTGGCCAA-3'
Protein context (NP_008877.2, residues 343-363): QLQSFNSYRT[Val353Met]EKPPKFTEKG

ClinVar aggregate classification (germline): Uncertain significance (1 of 4 stars; one submission).

Allele frequency attached by ClinVar (database versions not stated): TOPMed below 0.00001; gnomAD exomes 0.00001.
gnomAD v4.1: 10 of 1,613,822 alleles (0.00062%); highest among the groups gnomAD compares: Middle Eastern, 0.017%; no homozygotes.

Submission:

Labcorp Genetics (formerly Invitae), Labcorp
Classification: Uncertain significance. Last evaluated: 2021-07-14. Review status: criteria provided, single submitter. Criteria: Invitae Variant Classification Sherloc (09022015). Collection method: clinical testing. Allele origin: germline.
Comment: This sequence change replaces valine with methionine at codon 353 of the SPTBN2 protein (p.Val353Met). The valine residue is moderately conserved and there is a small physicochemical difference between valine and methionine. This variant is not present in population databases (ExAC no frequency). This variant has not been reported in the literature in individuals affected with SPTBN2-related conditions. Advanced modeling of protein sequence and biophysical properties (such as structural, functional, and spatial information, amino acid conservation, physicochemical variation, residue mobility, and thermodynamic stability) performed at Invitae indicates that this missense variant is not expected to disrupt SPTBN2 protein function. In summary, the available evidence is currently insufficient to determine the role of this variant in disease. Therefore, it has been classified as a Variant of Uncertain Significance.